The following is an entry in ClinVar:

NM_001114122.3(CHEK1):c.806T>A (p.Leu269His)

Gene: CHEK1 (checkpoint kinase 1; plus strand). Cytogenetic location: 11q24.2.
Variant type: single nucleotide variant.
Coding change: c.806T>A on transcript NM_001114122.3 (MANE Select); coding-DNA position 806, T replaced by A.
Protein change: p.Leu269His; replaces leucine 269 with histidine.
Molecular consequence: missense variant. On other transcripts: non-coding transcript variant (2).
Genome position (GRCh38, 1-based): chr11:125,637,536, T>A. VCF-style: chr11-125637536-T-A. GRCh37 (hg19) VCF-style: chr11-125507431-T-A.
Other names: c.806T>A (NM_001114122.2); c.806T>A, p.Leu269His (NM_001114121.2, NM_001244846.1, NM_001274.5); c.503T>A, p.Leu168His (NM_001330427.2); c.524T>A, p.Leu175His (NM_001330428.1); short protein forms L168H, L175H, L269H.
Identifiers: ClinVar variation 3346787 (VCV003346787.2).
Genomic context (GRCh38, chr11:125,637,536, plus strand): 5'-ATCCATCAGCAAGAATTACCATTCCAGACATCAAAAAAGATAGATGGTACAACAAACCCC[T>A]CAAGAAAGGTAATATCCTTAAACTACAAGTTTGTTTGTTTTTCTGTGGAAGAAAAGGTAA-3'
Protein context (NP_001107594.1, residues 259-279): IKKDRWYNKP[Leu269His]KKGAKRPRVT

ClinVar aggregate classification (germline): Uncertain significance. Review status: criteria provided, single submitter (1 of 4 stars). 2 submissions from 2 submitters: Uncertain significance (1). 1 of the submissions does not count toward it. Last evaluated 2025-10-21.

Conditions:
CHEK1-related disorder. Also called: CHEK1-related condition.

gnomAD v4.1: 8 of 1,604,420 alleles (0.0005%); highest among the groups gnomAD compares: Non-Finnish European, 0.0006%; no homozygotes.

Submissions (2):

Ambry Genetics
Classification: Uncertain significance. Last evaluated: 2025-10-21. Review status: criteria provided, single submitter. Criteria: Ambry Variant Classification Scheme 2023. Collection method: clinical testing. Allele origin: germline.

PreventionGenetics, part of Exact Sciences
Classification: Uncertain significance for CHEK1-related condition. Last evaluated: 2024-03-06. Review status: no assertion criteria provided. Collection method: clinical testing. Allele origin: germline. Not counted in ClinVar's aggregate classification.
Comment: The CHEK1 c.854T>A variant is predicted to result in the amino acid substitution p.Leu285His. To our knowledge, this variant has not been reported in the literature. This variant is reported in 0.0018% of alleles in individuals of European (Non-Finnish) descent in gnomAD. At this time, the clinical significance of this variant is uncertain due to the absence of conclusive functional and genetic evidence.